The following is an entry in ClinVar:

ClinVar aggregate classification (germline): Uncertain significance (1 of 4 stars; one submission).

Submission:

GeneDx
Classification: Uncertain significance. Last evaluated: 2024-09-23. Review status: criteria provided, single submitter. Criteria: GeneDx Variant Classification Process June 2021. Collection method: clinical testing. Allele origin: germline. Affected: yes.
Comment: Not observed in large population cohorts (gnomAD); In silico analysis supports that this missense variant has a deleterious effect on protein structure/function; Has not been previously published as pathogenic or benign to our knowledge

NM_002474.3(MYH11):c.2202T>A (p.Asn734Lys)

Gene: MYH11 (myosin heavy chain 11; minus strand). Cytogenetic location: 16p13.11.
Variant type: single nucleotide variant.
Coding change: c.2202T>A on transcript NM_002474.3 (MANE Select); coding-DNA position 2202, T replaced by A.
Protein change: p.Asn734Lys; replaces asparagine 734 with lysine.
Molecular consequence: missense variant.
Genome position (GRCh38, 1-based): chr16:15,747,922, A>T on the plus strand (T>A on the coding strand, the complement: MYH11 is on the minus strand). VCF-style: chr16-15747922-A-T. GRCh37 (hg19) VCF-style: chr16-15841779-A-T.
Other names: c.2223T>A, p.Asn741Lys (NM_001040113.2, NM_001040114.2); c.2202T>A, p.Asn734Lys (NM_022844.3); short protein forms N734K, N741K.
Identifiers: ClinVar variation 3773958 (VCV003773958.1).
Genomic context (GRCh38, chr16:15,747,922, plus strand): 5'-TTCTGGGCTCACCATGAGAATGCAGGCCTGCTTCCCGTCCATGAAGCCTTTGGGGATGGC[A>T]TTCGCCGCCAGGATCTCGTAGCTTGAAACACAGAGCAGAAGTCACCCCGGGTACCTCCAG-3'
Protein context (NP_002465.1, residues 724-744): FRQRYEILAA[Asn734Lys]AIPKGFMDGK